The following is an entry in ClinVar:

NM_004369.4(COL6A3):c.433G>T (p.Val145Phe)

Gene: COL6A3 (collagen type VI alpha 3 chain; minus strand). Cytogenetic location: 2q37.3.
Variant type: single nucleotide variant.
Coding change: c.433G>T on transcript NM_004369.4 (MANE Select); coding-DNA position 433, G replaced by T.
Protein change: p.Val145Phe; replaces valine 145 with phenylalanine.
Molecular consequence: missense variant. On other transcripts: intron variant (4).
Genome position (GRCh38, 1-based): chr2:237,394,863, C>A on the plus strand (G>T on the coding strand, the complement: COL6A3 is on the minus strand). VCF-style: chr2-237394863-C-A. GRCh37 (hg19) VCF-style: chr2-238303506-C-A.
Other names: c.91+1864G>T (NM_057166.5, NM_057167.4, NM_057164.5 and 1 more transcripts); short protein forms V145F.
Identifiers: ClinVar variation 3691485 (VCV003691485.2).

ClinVar aggregate classification (germline): Uncertain significance (1 of 4 stars; one submission).

Conditions:
Bethlem myopathy 1A. Also called: MYOPATHY, BENIGN CONGENITAL, WITH CONTRACTURES; Bethlem myopathy 1; Bethlem Muscular Dystrophy. Identifiers: Orphanet 610, MedGen CN029274, MONDO:0024530, OMIM 158810.

gnomAD v4.1: 3 of 1,612,478 alleles (0.00019%); highest among the groups gnomAD compares: East Asian, 0.0045%; no homozygotes.

Submission:

Labcorp Genetics (formerly Invitae), Labcorp
Classification: Uncertain significance for Bethlem myopathy 1A. Last evaluated: 2025-01-16. Review status: criteria provided, single submitter. Criteria: Invitae Variant Classification Sherloc (09022015). Collection method: clinical testing. Allele origin: germline.
Comment: This sequence change replaces valine, which is neutral and non-polar, with phenylalanine, which is neutral and non-polar, at codon 145 of the COL6A3 protein (p.Val145Phe). This variant is not present in population databases (gnomAD no frequency). This variant has not been reported in the literature in individuals affected with COL6A3-related conditions. Invitae Evidence Modeling of protein sequence and biophysical properties (such as structural, functional, and spatial information, amino acid conservation, physicochemical variation, residue mobility, and thermodynamic stability) indicates that this missense variant is not expected to disrupt COL6A3 protein function with a negative predictive value of 95%. In summary, the available evidence is currently insufficient to determine the role of this variant in disease. Therefore, it has been classified as a Variant of Uncertain Significance.